The following is an entry in ClinVar:

ClinVar aggregate classification (germline): Benign/Likely benign. Review status: criteria provided, multiple submitters, no conflicts (2 of 4 stars). 5 submissions from 5 submitters: Benign (1); Likely benign (4). Last evaluated 2026-01-01.

Conditions:
Keratitis fugax hereditaria. Also called: KERATOENDOTHELIITIS FUGAX HEREDITARIA. Identifiers: Orphanet 647815, MedGen C1835697, MONDO:0007849, OMIM 148200.
Familial amyloid nephropathy with urticaria AND deafness (MWS). Also called: MUCKLE-WELLS SYNDROME; Urticaria, deafness and amyloidosis; CRYOPYRIN-ASSOCIATED PERIODIC SYNDROME 2; UDA SYNDROME; URTICARIA-DEAFNESS-AMYLOIDOSIS SYNDROME. Identifiers: Orphanet 575, MedGen C0268390, MONDO:0008633, OMIM 191900.
Familial cold autoinflammatory syndrome 1 (FCAS1). Also called: Familial cold inflammatory syndrome 1; CRYOPYRIN-ASSOCIATED PERIODIC SYNDROME 1. Identifiers: Orphanet 47045, MedGen C4551895, MONDO:0007349, OMIM 120100.
Hearing loss, autosomal dominant 34, with or without inflammation. Also called: DEAFNESS, AUTOSOMAL DOMINANT 34, WITH OR WITHOUT INFLAMMATION. Identifiers: MedGen C4521680, MONDO:0033261, OMIM 617772.
Chronic infantile neurological, cutaneous and articular syndrome (CINCA). Also called: CRYOPYRIN-ASSOCIATED PERIODIC SYNDROME 3; CINCA syndrome; Prieur Griscelli syndrome; CHRONIC NEUROLOGIC CUTANEOUS AND ARTICULAR SYNDROME. Identifiers: Orphanet 1451, MedGen C0409818, MONDO:0011776, OMIM 607115.
Cryopyrin associated periodic syndrome (CAPS). Identifiers: Orphanet 208650, MedGen C2316212, MONDO:0016168.
Autoinflammatory syndrome. Identifiers: Orphanet 93665, MedGen C3890737, MONDO:0019751.

Allele frequency attached by ClinVar (database versions not stated): ExAC 0.00056; 1000 Genomes Project 0.00160; 1000 Genomes Project 30x 0.00172; gnomAD below 0.00001 and 0.00011; TOPMed 0.00002; gnomAD exomes 0.00022 and 0.00050.

Submissions (5):

CeGaT Center for Human Genetics Tuebingen
Classification: Likely benign. Last evaluated: 2026-01-01. Review status: criteria provided, single submitter. Criteria: CeGaT Center For Human Genetics Tuebingen Variant Classification Criteria Version 2. Collection method: clinical testing. Allele origin: germline. Affected: yes. Observed: 1 variant allele.
Comment: NLRP3: BP4, BP7, BS1

Labcorp Genetics (formerly Invitae), Labcorp
Classification: Benign for Cryopyrin associated periodic syndrome. Last evaluated: 2025-12-03. Review status: criteria provided, single submitter. Criteria: Invitae Variant Classification Sherloc (09022015). Collection method: clinical testing. Allele origin: germline.

Fulgent Genetics
Classification: Likely benign for Familial cold autoinflammatory syndrome 1; Keratitis fugax hereditaria; Familial amyloid nephropathy with urticaria AND deafness; Chronic infantile neurological, cutaneous and articular syndrome; Hearing loss, autosomal dominant 34, with or without inflammation. Last evaluated: 2022-03-16. Review status: criteria provided, single submitter. Criteria: ACMG Guidelines, 2015. Collection method: clinical testing. Allele origin: unknown.

Genome Diagnostics Laboratory, The Hospital for Sick Children
Classification: Likely benign for Autoinflammatory syndrome. Last evaluated: 2018-09-01. Review status: criteria provided, single submitter. Criteria: ACMG Guidelines, 2015. Collection method: clinical testing. Allele origin: germline. Affected: yes.

GeneDx
Classification: Likely benign. Last evaluated: 2016-10-03. Review status: criteria provided, single submitter. Criteria: GeneDx Variant Classification (06012015). Collection method: clinical testing. Allele origin: germline. Affected: yes.
Comment: This variant is considered likely benign or benign based on one or more of the following criteria: it is a conservative change, it occurs at a poorly conserved position in the protein, it is predicted to be benign by multiple in silico algorithms, and/or has population frequency not consistent with disease.

NM_001243133.2(NLRP3):c.2172T>A (p.Thr724=)

Gene: NLRP3 (NLR family pyrin domain containing 3; plus strand). Cytogenetic location: 1q44.
Variant type: single nucleotide variant.
Coding change: c.2172T>A on transcript NM_001243133.2 (MANE Select); coding-DNA position 2172, T replaced by A.
Protein change: p.Thr724=; no amino-acid change (threonine 724 retained).
Molecular consequence: synonymous variant. On other transcripts: intron variant (2).
Genome position (GRCh38, 1-based): chr1:247,429,606, T>A. VCF-style: chr1-247429606-T-A. GRCh37 (hg19) VCF-style: chr1-247592908-T-A.
Other names: c.2172T>A, p.Thr724= (NM_001079821.3, NM_001127461.3); c.2178T>A, p.Thr726= (NM_004895.5); c.2150+4007T>A (NM_001127462.3, NM_183395.3).
Identifiers: ClinVar variation 389680 (VCV000389680.20), dbSNP rs201102829, ClinGen allele CA1495150.